The following is an entry in ClinVar:

NM_001164508.2(NEB):c.5437G>A (p.Asp1813Asn)

Gene: NEB (nebulin; minus strand). Cytogenetic location: 2q23.3.
Variant type: single nucleotide variant.
Coding change: c.5437G>A on transcript NM_001164508.2 (MANE Select); coding-DNA position 5437, G replaced by A.
Protein change: p.Asp1813Asn; replaces aspartic acid 1813 with asparagine.
Molecular consequence: missense variant.
Genome position (GRCh38, 1-based): chr2:151,664,515, C>T on the plus strand (G>A on the coding strand, the complement: NEB is on the minus strand). VCF-style: chr2-151664515-C-T. GRCh37 (hg19) VCF-style: chr2-152521029-C-T.
Other names: c.5437G>A, p.Asp1813Asn (NM_001164507.2, NM_001271208.2, NM_004543.5); short protein forms D1813N.
Identifiers: ClinVar variation 1015973 (VCV001015973.10), dbSNP rs2099187269, ClinGen allele CA348810197.
Genomic context (GRCh38, chr2:151,664,515, plus strand): 5'-TGTTCTTACTTGCTCAACCCCAAAAAGGCCCAGTGCAAGCACTTACATCACTGGCAATGT[C>T]TCTAGAGGCTCTTGCAGCCTTTATTGCAATGGCATCAGGCCTCAGGTCATATCCTTTCTT-3'
Protein context (NP_001157980.2, residues 1803-1823): IAIKAARASR[Asp1813Asn]IASDYKYKKA

ClinVar aggregate classification (germline): Uncertain significance. Review status: criteria provided, single submitter (1 of 4 stars). 2 submissions from 2 submitters: Uncertain significance (1). 1 of the submissions does not count toward it. Last evaluated 2021-08-27.

Conditions:
Nemaline myopathy 2 (NEM2). Also called: Nemaline myopathy 2, autosomal recessive. Identifiers: MedGen C1850569, MONDO:0009725, OMIM 256030.

gnomAD v4.1: 5 of 1,592,646 alleles (0.00031%); highest among the groups gnomAD compares: Non-Finnish European, 0.00043%; no homozygotes.

Submissions (2):

Labcorp Genetics (formerly Invitae), Labcorp
Classification: Uncertain significance for Nemaline myopathy 2. Last evaluated: 2021-08-27. Review status: criteria provided, single submitter. Criteria: Invitae Variant Classification Sherloc (09022015). Collection method: clinical testing. Allele origin: germline.
Comment: This sequence change replaces aspartic acid with asparagine at codon 1813 of the NEB protein (p.Asp1813Asn). The aspartic acid residue is moderately conserved and there is a small physicochemical difference between aspartic acid and asparagine. This variant is not present in population databases (ExAC no frequency). This variant has not been reported in the literature in individuals affected with NEB-related conditions. Algorithms developed to predict the effect of missense changes on protein structure and function are either unavailable or do not agree on the potential impact of this missense change (SIFT: "Deleterious"; PolyPhen-2: "Not Available"; Align-GVGD: "Class C0"). In summary, the available evidence is currently insufficient to determine the role of this variant in disease. Therefore, it has been classified as a Variant of Uncertain Significance.

Natera, Inc.
Classification: Uncertain significance for Nemaline myopathy type 2. Last evaluated: 2021-03-23. Review status: no assertion criteria provided. Collection method: clinical testing. Allele origin: germline. Not counted in ClinVar's aggregate classification.